The following is an entry in ClinVar:

NM_182746.3(MCM4):c.185C>G (p.Pro62Arg)

Gene: MCM4 (minichromosome maintenance complex component 4; plus strand). Cytogenetic location: 8q11.21.
Variant type: single nucleotide variant.
Coding change: c.185C>G on transcript NM_182746.3 (MANE Select); coding-DNA position 185, C replaced by G.
Protein change: p.Pro62Arg; replaces proline 62 with arginine.
Molecular consequence: missense variant.
Genome position (GRCh38, 1-based): chr8:47,961,630, C>G. VCF-style: chr8-47961630-C-G. GRCh37 (hg19) VCF-style: chr8-48874190-C-G.
Other names: c.185C>G, p.Pro62Arg (NM_005914.4); short protein forms P62R.
Identifiers: ClinVar variation 1441411 (VCV001441411.7), dbSNP rs564059293, ClinGen allele CA4742203.

ClinVar aggregate classification (germline): Uncertain significance (1 of 4 stars; one submission).

Allele frequency attached by ClinVar (database versions not stated): gnomAD exomes below 0.00001 and 0.00002; gnomAD 0.00001; ExAC 0.00002; TOPMed 0.00002; 1000 Genomes Project 0.00020; 1000 Genomes Project 30x 0.00031.
gnomAD v4.1: 8 of 1,614,042 alleles (0.0005%); highest among the groups gnomAD compares: Admixed American, 0.005%; no homozygotes.

Submission:

Labcorp Genetics (formerly Invitae), Labcorp
Classification: Uncertain significance. Last evaluated: 2024-11-05. Review status: criteria provided, single submitter. Criteria: Invitae Variant Classification Sherloc (09022015). Collection method: clinical testing. Allele origin: germline.
Comment: This sequence change replaces proline, which is neutral and non-polar, with arginine, which is basic and polar, at codon 62 of the MCM4 protein (p.Pro62Arg). This variant is present in population databases (rs564059293, gnomAD 0.009%). This variant has not been reported in the literature in individuals affected with MCM4-related conditions. ClinVar contains an entry for this variant (Variation ID: 1441411). An algorithm developed to predict the effect of missense changes on protein structure and function (PolyPhen-2) suggests that this variant¬†is likely to be tolerated. In summary, the available evidence is currently insufficient to determine the role of this variant in disease. Therefore, it has been classified as a Variant of Uncertain Significance.